The following is an entry in ClinVar:

NM_001165963.4(SCN1A):c.52A>G (p.Thr18Ala)

Gene: SCN1A (sodium voltage-gated channel alpha subunit 1; minus strand). Cytogenetic location: 2q24.3.
Variant type: single nucleotide variant.
Coding change: c.52A>G on transcript NM_001165963.4 (MANE Select); coding-DNA position 52, A replaced by G.
Protein change: p.Thr18Ala; replaces threonine 18 with alanine.
Molecular consequence: missense variant. On other transcripts: 5 prime UTR variant (1), non-coding transcript variant (1).
Genome position (GRCh38, 1-based): chr2:166,073,570, T>C on the plus strand (A>G on the coding strand, the complement: SCN1A is on the minus strand). VCF-style: chr2-166073570-T-C. GRCh37 (hg19) VCF-style: chr2-166930080-T-C.
Other names: c.52A>G, p.Thr18Ala (NM_001165964.3, NM_001202435.3, NM_001353948.2 and 10 more transcripts); c.-2374A>G (NM_001353961.2); short protein forms T18A.
Identifiers: ClinVar variation 3393641 (VCV003393641.1).

ClinVar aggregate classification (germline): Uncertain significance (1 of 4 stars; one submission).

Submission:

GeneDx
Classification: Uncertain significance. Last evaluated: 2024-07-01. Review status: criteria provided, single submitter. Criteria: GeneDx Variant Classification Process June 2021. Collection method: clinical testing. Allele origin: germline. Affected: yes.
Comment: Not observed at significant frequency in large population cohorts (gnomAD); In silico analysis supports that this missense variant has a deleterious effect on protein structure/function; Has not been previously published as pathogenic or benign to our knowledge; This substitution is predicted to be within the N-terminal cytoplasmic domain